The following is an entry in ClinVar:

ClinVar aggregate classification (germline): Pathogenic. Review status: criteria provided, multiple submitters, no conflicts (2 of 4 stars). 5 submissions from 5 submitters: Pathogenic (4). 1 of the submissions does not count toward it. Last evaluated 2025-10-05.

Conditions:
Fanconi anemia (FA). Also called: Fanconi's anemia. Identifiers: Orphanet 84, MedGen C0015625, MeSH D005199, MONDO:0019391.
Fanconi anemia complementation group A (FANCA). Also called: FANCA-Related Fanconi Anemia; Fanconi anemia, group A. Identifiers: Orphanet 84, MedGen C3469521, MONDO:0009215, OMIM 227650.

Allele frequency attached by ClinVar (database versions not stated): gnomAD exomes below 0.00001.

Submissions (5):

Natera, Inc.
Classification: Pathogenic for Fanconi anemia. Last evaluated: 2025-10-05. Review status: criteria provided, single submitter. Criteria: Natera Variant Classification Schema (03/2026). Collection method: clinical testing. Allele origin: germline.
Comment: The c.238delT variant in FANCA is a frameshift variant predicted to shift the reading frame beginning at codon 80 and leads to a stop codon 15 codons downstream. This variant is expected to result in nonsense mediated decay, truncation, or a dysfunctional protein product. This variant is rare in the general population with a frequency below the threshold expected for the associated phenotype(s). This variant has been observed in one or more individuals affected with the associated recessive disease, as either homozygous or compound heterozygous with a second variant (PMID: 21273304). Given the available evidence, this variant is classified as Pathogenic.

Labcorp Genetics (formerly Invitae), Labcorp
Classification: Pathogenic for Fanconi anemia. Last evaluated: 2024-08-05. Review status: criteria provided, single submitter. Criteria: Invitae Variant Classification Sherloc (09022015). Collection method: clinical testing. Allele origin: germline.
Comment: This sequence change creates a premature translational stop signal (p.Cys80Valfs*15) in the FANCA gene. It is expected to result in an absent or disrupted protein product. Loss-of-function variants in FANCA are known to be pathogenic (PMID: 19367192). This variant is not present in population databases (gnomAD no frequency). This premature translational stop signal has been observed in individual(s) with Fanconi anemia (PMID: 21273304). ClinVar contains an entry for this variant (Variation ID: 219632). For these reasons, this variant has been classified as Pathogenic.

Baylor Genetics
Classification: Pathogenic for Fanconi anemia complementation group A. Last evaluated: 2023-03-30. Review status: criteria provided, single submitter. Criteria: ACMG Guidelines, 2015. Collection method: clinical testing. Allele origin: unknown.

GeneDx
Classification: Pathogenic. Last evaluated: 2022-07-20. Review status: criteria provided, single submitter. Criteria: GeneDx Variant Classification Process June 2021. Collection method: clinical testing. Allele origin: germline. Affected: yes.
Comment: Frameshift variant predicted to result in protein truncation or nonsense mediated decay in a gene for which loss-of-function is a known mechanism of disease; Not observed at a significant frequency in large population cohorts (gnomAD); This variant is associated with the following publications: (PMID: 29753700, 21273304)

Leiden Open Variation Database
Classification: Pathogenic for Fanconi anemia complementation group A. Last evaluated: 2020-02-28. Review status: no assertion criteria provided. Collection method: curation. Allele origin: germline. Affected: yes. Not counted in ClinVar's aggregate classification.
Comment: Curator: Arleen D. Auerbach. Submitter to LOVD: Arleen D. Auerbach.

Literature cited by the submitters: PubMed 21273304 (cited by 3 submitters); PubMed 19367192 (cited by Labcorp Genetics (formerly Invitae), Labcorp).

NM_000135.4(FANCA):c.238del (p.Cys80fs)

Gene: FANCA (FA complementation group A; minus strand). Cytogenetic location: 16q24.3.
Variant type: Deletion.
Coding change: c.238del on transcript NM_000135.4 (MANE Select); coding-DNA position 238, one base deleted (T; older notation c.238delT).
Protein change: p.Cys80fs; shifts the reading frame from cysteine 80.
Molecular consequence: frameshift variant.
Genome position (GRCh38, 1-based): chr16:89,814,565, A deleted on the plus strand (T on the coding strand, the reverse complement: FANCA is on the minus strand). VCF-style (leftmost placement, unchanged base first): chr16-89814564-CA-C. GRCh37 (hg19) VCF-style: chr16-89880972-CA-C.
Other names: c.238del, p.Cys80fs (NM_001018112.3, NM_001286167.3, NM_001351830.2); c.238del (LRG_495t1, NM_000135.2); c.238delT (NM_000135.4, NM_000135.3); short protein forms C80fs.
Identifiers: ClinVar variation 219632 (VCV000219632.17), dbSNP rs864622187, ClinGen allele CA348990.